The following is an entry in ClinVar:

NM_021072.4(HCN1):c.990G>C (p.Trp330Cys)

Gene: HCN1 (hyperpolarization activated cyclic nucleotide gated potassium channel 1; minus strand). Cytogenetic location: 5p12.
Variant type: single nucleotide variant.
Coding change: c.990G>C on transcript NM_021072.4 (MANE Select); coding-DNA position 990, G replaced by C.
Protein change: p.Trp330Cys; replaces tryptophan 330 with cysteine.
Molecular consequence: missense variant.
Genome position (GRCh38, 1-based): chr5:45,461,867, C>G on the plus strand (G>C on the coding strand, the complement: HCN1 is on the minus strand). VCF-style: chr5-45461867-C-G. GRCh37 (hg19) VCF-style: chr5-45461969-C-G.
Other names: short protein forms W330C.
Identifiers: ClinVar variation 196504 (VCV000196504.16), dbSNP rs794727517, ClinGen allele CA243476.

ClinVar aggregate classification (germline): Uncertain significance. Review status: criteria provided, multiple submitters, no conflicts (2 of 4 stars). 3 submissions from 3 submitters: Uncertain significance (3). Last evaluated 2025-07-15.

Conditions:
Early-infantile DEE. Also called: Early infantile epileptic encephalopathy; Early infantile epileptic encephalopathy with suppression bursts; Ohtahara syndrome. Identifiers: Orphanet 1934, MedGen C0393706, MONDO:0800491.

Allele frequency attached by ClinVar (database versions not stated): TOPMed 0.00001; gnomAD 0.00001.
gnomAD v4.1: 1 of 1,613,106 alleles (0.000062%); highest among the groups gnomAD compares: Non-Finnish European, 0.000085%; no homozygotes.

Submissions (3):

GeneDx
Classification: Uncertain significance. Last evaluated: 2025-07-15. Review status: criteria provided, single submitter. Criteria: GeneDx Variant Classification Process June 2021. Collection method: clinical testing. Allele origin: germline.
Comment: Reported as a variant of uncertain significance in a patient with epileptic encephalopathy and features suggestive of Otahara syndrome in published literature (PMID: 29056246); Not observed at significant frequency in large population cohorts (gnomAD); In silico analysis supports that this missense variant has a deleterious effect on protein structure/function; This variant is associated with the following publications: (PMID: 29056246)

Labcorp Genetics (formerly Invitae), Labcorp
Classification: Uncertain significance for Early-infantile DEE. Last evaluated: 2021-02-03. Review status: criteria provided, single submitter. Criteria: Invitae Variant Classification Sherloc (09022015). Collection method: clinical testing. Allele origin: germline.
Comment: This variant is not present in population databases (ExAC no frequency). This sequence change replaces tryptophan with cysteine at codon 330 of the HCN1 protein (p.Trp330Cys). The tryptophan residue is highly conserved and there is a large physicochemical difference between tryptophan and cysteine. This variant has been observed in individual(s) with epileptic encephalopathy (PMID: 29056246). ClinVar contains an entry for this variant (Variation ID: 196504). In summary, the available evidence is currently insufficient to determine the role of this variant in disease. Therefore, it has been classified as a Variant of Uncertain Significance. Advanced modeling of protein sequence and biophysical properties (such as structural, functional, and spatial information, amino acid conservation, physicochemical variation, residue mobility, and thermodynamic stability) performed at Invitae indicates that this missense variant is expected to disrupt HCN1 protein function.

Eurofins Ntd Llc (ga)
Classification: Uncertain significance. Last evaluated: 2014-09-03. Review status: criteria provided, single submitter. Criteria: EGL Classification Definitions 2015. Collection method: clinical testing. Allele origin: germline. Observed: 1 variant allele, 1 heterozygote.

Literature cited by the submitters: PubMed 29056246 (cited by Labcorp Genetics (formerly Invitae), Labcorp).